The following is an entry in ClinVar:

NM_007078.3(LDB3):c.565T>G (p.Ser189Ala)

Gene: LDB3 (LIM domain binding 3; plus strand). Cytogenetic location: 10q23.2.
Variant type: single nucleotide variant.
Coding change: c.565T>G on transcript NM_007078.3 (MANE Select); coding-DNA position 565, T replaced by G.
Protein change: p.Ser189Ala; replaces serine 189 with alanine.
Molecular consequence: missense variant. On other transcripts: intron variant (5).
Genome position (GRCh38, 1-based): chr10:86,681,679, T>G. VCF-style: chr10-86681679-T-G. GRCh37 (hg19) VCF-style: chr10-88441436-T-G.
Other names: c.565T>G, p.Ser189Ala (NM_001080115.2, NM_001171610.2, NM_001171611.2 and 3 more transcripts); c.321+1522T>G (NM_001368068.1, NM_001368066.1, NM_001080114.2 and 2 more transcripts); short protein forms S189A.
Identifiers: ClinVar variation 1986538 (VCV001986538.6), dbSNP rs1845145732, ClinGen allele CA377454750.

ClinVar aggregate classification (germline): Conflicting classifications of pathogenicity. Review status: criteria provided, conflicting classifications (1 of 4 stars). 3 submissions from 3 submitters: Uncertain significance (2); Likely benign (1). Last evaluated 2025-05-29.

Conditions:
Cardiovascular phenotype. Identifiers: MedGen CN230736.
Myofibrillar myopathy 4. Also called: Zaspopathy (type). Identifiers: Orphanet 98912, MedGen C4721886, MONDO:0012277, OMIM 609452.

Allele frequency attached by ClinVar (database versions not stated): TOPMed below 0.00001.

Submissions (3):

Labcorp Genetics (formerly Invitae), Labcorp
Classification: Likely benign for Myofibrillar myopathy 4. Last evaluated: 2025-05-29. Review status: criteria provided, single submitter. Criteria: Invitae Variant Classification Sherloc (09022015). Collection method: clinical testing. Allele origin: germline.

GeneDx
Classification: Uncertain significance. Last evaluated: 2025-04-24. Review status: criteria provided, single submitter. Criteria: GeneDx Variant Classification Process June 2021. Collection method: clinical testing. Allele origin: germline. Affected: yes.
Comment: Not observed at significant frequency in large population cohorts (gnomAD); In silico analysis indicates that this variant does not alter splicing; Has not been previously published as pathogenic or benign to our knowledge; Reported using an alternate transcript of the gene

Ambry Genetics
Classification: Uncertain significance for Cardiovascular phenotype. Last evaluated: 2024-09-11. Review status: criteria provided, single submitter. Criteria: Ambry Variant Classification Scheme 2023. Collection method: clinical testing. Allele origin: germline.
Comment: The p.S189A variant (also known as c.565T>G), located in coding exon 4 of the LDB3 gene, results from a T to G substitution at nucleotide position 565. The serine at codon 189 is replaced by alanine, an amino acid with similar properties. This amino acid position is conserved. In addition, this alteration is predicted to be tolerated by in silico analysis. Based on the available evidence, the clinical significance of this variant remains unclear.